The following is an entry in ClinVar:

ClinVar aggregate classification (germline): Uncertain significance (1 of 4 stars; one submission).

Conditions:
Hereditary cancer-predisposing syndrome. Also called: Neoplastic Syndromes, Hereditary; Tumor predisposition; Hereditary neoplastic syndrome; Hereditary Cancer Syndrome. Identifiers: Orphanet 140162, MedGen C0027672, MeSH D009386, MONDO:0015356.
Cardiovascular phenotype. Identifiers: MedGen CN230736.

Submission:

Ambry Genetics
Classification: Uncertain significance for Cardiovascular phenotype; Hereditary cancer-predisposing syndrome. Last evaluated: 2023-04-19. Review status: criteria provided, single submitter. Criteria: Ambry Variant Classification Scheme 2023. Collection method: clinical testing. Allele origin: germline.
Comment: The p.N150H variant (also known as c.448A>C), located in coding exon 5 of the LZTR1 gene, results from an A to C substitution at nucleotide position 448. The asparagine at codon 150 is replaced by histidine, an amino acid with similar properties. This amino acid position is conserved. In addition, the in silico prediction for this alteration is inconclusive. Since supporting evidence is limited at this time, the clinical significance of this alteration remains unclear.

NM_006767.4(LZTR1):c.448A>C (p.Asn150His)

Gene: LZTR1 (leucine zipper like post translational regulator 1; plus strand). Cytogenetic location: 22q11.21.
Variant type: single nucleotide variant.
Coding change: c.448A>C on transcript NM_006767.4 (MANE Select); coding-DNA position 448, A replaced by C.
Protein change: p.Asn150His; replaces asparagine 150 with histidine.
Molecular consequence: missense variant.
Genome position (GRCh38, 1-based): chr22:20,988,057, A>C. VCF-style: chr22-20988057-A-C. GRCh37 (hg19) VCF-style: chr22-21342346-A-C.
Other names: short protein forms N150H.
Identifiers: ClinVar variation 3238291 (VCV003238291.1), dbSNP rs2518613279.
Genomic context (GRCh38, chr22:20,988,057, plus strand): 5'-TCTCTTTACTCAGGGGGTTACACTGGGGACATTTATTCCAATTCTAACTTGAAGAATAAA[A>C]ACGACCTCTTTGAATACAAGTTTGCAACTGGCCAGTGGACGGAGTGGAAAATTGAAGGAC-3'
Protein context (NP_006758.2, residues 140-160): IYSNSNLKNK[Asn150His]DLFEYKFATG